The following is an entry in ClinVar:

NM_001386393.1(PANK2):c.141_155dup (p.Pro52_Leu53insArgArgGlnGluPro)

Genes: PANK2 (pantothenate kinase 2; plus strand), LOC130065345 (ATAC-STARR-seq lymphoblastoid silent region 12635; plus strand). Cytogenetic location: 20p13.
Variant type: Duplication.
Coding change: c.141_155dup on transcript NM_001386393.1 (MANE Select); coding-DNA positions 141 to 155, 15 bases duplicated (GCGGCGGCAGGAGCC).
Protein change: p.Pro52_Leu53insArgArgGlnGluPro.
Molecular consequence: inframe insertion. On other transcripts: 5 prime UTR variant (1), non-coding transcript variant (1), intron variant (1).
Genome position (GRCh38, 1-based): chr20:3,889,571-3,889,585, GCGGCGGCAGGAGCC duplicated. VCF-style (leftmost placement, unchanged base first): chr20-3889570-G-GGCGGCGGCAGGAGCC. GRCh37 (hg19) VCF-style: chr20-3870217-G-GGCGGCGGCAGGAGCC.
Other names: c.-571_-557dup (NM_001324191.2); c.471_485dup, p.Pro162_Leu163insArgArgGlnGluPro (NM_001324192.1, NM_153638.4); c.-246+667_-246+681dup (NM_024960.6).
Identifiers: ClinVar variation 2187060 (VCV002187060.1), dbSNP rs1385406337, ClinGen allele CA744202206.
Genomic context (GRCh38, chr20:3,889,570, plus strand): 5'-GCAGGGCTTCCGCCACCTCCGTCTCGTCGGCTGGGGAGCAGGCGGCCGGGGACCCCGAAG[G>GGCGGCGGCAGGAGCC]GCGGCGGCAGGAGCCACTGCGGCGCCGGGCGAGCAGCGCGTCGGTGCCCGCGGTCGGGGC-3'

ClinVar aggregate classification (germline): Uncertain significance (1 of 4 stars; one submission).

Conditions:
Pigmentary pallidal degeneration (NBIA1). Also called: HARP SYNDROME; Pantothenate Kinase-Associated Neurodegeneration; Neuroaxonal dystrophy, late infantile; Hallervorden-Spatz disease; PKAN NEUROAXONAL DYSTROPHY, JUVENILE-ONSET; Neurodegeneration with brain iron accumulation 1. Identifiers: Orphanet 157850, MedGen C0018523, MONDO:0009319, OMIM 234200.

Allele frequency attached by ClinVar (database versions not stated): gnomAD 0.00001; gnomAD exomes 0.00001; TOPMed 0.00002.

Submission:

Labcorp Genetics (formerly Invitae), Labcorp
Classification: Uncertain significance for Pigmentary pallidal degeneration. Last evaluated: 2022-08-11. Review status: criteria provided, single submitter. Criteria: Invitae Variant Classification Sherloc (09022015). Collection method: clinical testing. Allele origin: germline.
Comment: This variant, c.471_485dup, results in the insertion of 5 amino acid(s) of the PANK2 protein (p.Arg158_Pro162dup), but otherwise preserves the integrity of the reading frame. This variant is not present in population databases (gnomAD no frequency). This variant has not been reported in the literature in individuals affected with PANK2-related conditions. In summary, the available evidence is currently insufficient to determine the role of this variant in disease. Therefore, it has been classified as a Variant of Uncertain Significance.